The following is an entry in ClinVar:

NM_000080.4(CHRNE):c.949C>G (p.Leu317Val)

Genes: C17orf107 (chromosome 17 open reading frame 107; plus strand), CHRNE (cholinergic receptor nicotinic epsilon subunit; minus strand). Cytogenetic location: 17p13.2.
Variant type: single nucleotide variant.
Coding change: c.949C>G on transcript NM_000080.4 (MANE Select); coding-DNA position 949, C replaced by G.
Protein change: p.Leu317Val; replaces leucine 317 with valine.
Molecular consequence: missense variant. On other transcripts: 5 prime UTR variant (1).
Genome position (GRCh38, 1-based): chr17:4,899,551, G>C on the plus strand (C>G on the coding strand, the complement: CHRNE is on the minus strand). VCF-style: chr17-4899551-G-C. GRCh37 (hg19) VCF-style: chr17-4802846-G-C.
Other names: c.-212G>C (NM_001145536.2); short protein forms L317V.
Identifiers: ClinVar variation 2752398 (VCV002752398.3), dbSNP rs1597615485, ClinGen allele CA397301050.

ClinVar aggregate classification (germline): Uncertain significance (1 of 4 stars; one submission).

Conditions:
Congenital myasthenic syndrome 4A. Also called: Myasthenic syndrome, congenital, 4a, slow-channel; CONGENITAL MYASTHENIC SYNDROME TYPE Ia1; MYASTHENIC SYNDROME, CONGENITAL, 4A, SLOW-CHANNEL, AUTOSOMAL RECESSIVE. Identifiers: Orphanet 590, MedGen C4225413, MONDO:0011600, OMIM 605809.

Submission:

Labcorp Genetics (formerly Invitae), Labcorp
Classification: Uncertain significance for Congenital myasthenic syndrome 4A. Last evaluated: 2023-08-22. Review status: criteria provided, single submitter. Criteria: Invitae Variant Classification Sherloc (09022015). Collection method: clinical testing. Allele origin: germline.
Comment: In summary, the available evidence is currently insufficient to determine the role of this variant in disease. Therefore, it has been classified as a Variant of Uncertain Significance. Advanced modeling of protein sequence and biophysical properties (such as structural, functional, and spatial information, amino acid conservation, physicochemical variation, residue mobility, and thermodynamic stability) performed at Invitae indicates that this missense variant is not expected to disrupt CHRNE protein function. This variant has not been reported in the literature in individuals affected with CHRNE-related conditions. This variant is not present in population databases (gnomAD no frequency). This sequence change replaces leucine, which is neutral and non-polar, with valine, which is neutral and non-polar, at codon 317 of the CHRNE protein (p.Leu317Val).